The following is an entry in ClinVar:

ClinVar aggregate classification (germline): Uncertain significance. Review status: criteria provided, multiple submitters, no conflicts (2 of 4 stars). 2 submissions from 2 submitters: Uncertain significance (2). Last evaluated 2024-06-12.

Conditions:
Fanconi anemia (FA). Also called: Fanconi's anemia. Identifiers: Orphanet 84, MedGen C0015625, MeSH D005199, MONDO:0019391.
Fanconi anemia complementation group D2. Also called: FANCD2-Related Fanconi Anemia; FANCONI PANCYTOPENIA, TYPE 4; FANCONI ANEMIA, COMPLEMENTATION GROUP D. Identifiers: Orphanet 84, MedGen C3160738, MONDO:0009214, OMIM 227646.

Allele frequency attached by ClinVar (database versions not stated): gnomAD 0.00001 and 0.00002; gnomAD exomes 0.00001 and 0.00002; TOPMed 0.00001; ExAC 0.00002; ESP Exome Variant Server 0.00008.
gnomAD v4.1: 14 of 1,600,842 alleles (0.00087%); highest among the groups gnomAD compares: South Asian, 0.01%; no homozygotes.

Submissions (2):

Fulgent Genetics
Classification: Uncertain significance for Fanconi anemia complementation group D2. Last evaluated: 2024-06-12. Review status: criteria provided, single submitter. Criteria: ACMG Guidelines, 2015. Collection method: clinical testing. Allele origin: germline.

Labcorp Genetics (formerly Invitae), Labcorp
Classification: Uncertain significance for Fanconi anemia. Last evaluated: 2017-01-19. Review status: criteria provided, single submitter. Criteria: Invitae Variant Classification Sherloc (09022015). Collection method: clinical testing. Allele origin: germline.
Comment: In summary, this variant is a rare missense change that is not predicted to affect protein function. There is no indication that it causes disease, but the available evidence is currently insufficient to prove that conclusively. Therefore, it has been classified as a Variant of Uncertain Significance. Algorithms developed to predict the effect of missense changes on protein structure and function output the following: (SIFT: "Tolerated"; PolyPhen-2: "Benign"; Align-GVGD: "Class C0"). The valine amino acid residue is found in multiple mammalian species, suggesting that this missense change does not adversely affect protein function. These predictions have not been confirmed by published functional studies. This variant is present in population databases (rs376708399, ExAC 0.006%) but has not been reported in the literature in individuals with a FANCD2-related disease. This sequence change replaces methionine with valine at codon 507 of the FANCD2 protein (p.Met507Val). The methionine residue is moderately conserved and there is a small physicochemical difference between methionine and valine.

NM_001018115.3(FANCD2):c.1519A>G (p.Met507Val)

Genes: FANCD2 (FA complementation group D2; plus strand), LOC107303338 (3p25 FANCD2 Alu-mediated recombination region; plus strand). Cytogenetic location: 3p25.3.
Variant type: single nucleotide variant.
Coding change: c.1519A>G on transcript NM_001018115.3 (MANE Select); coding-DNA position 1519, A replaced by G.
Protein change: p.Met507Val; replaces methionine 507 with valine.
Molecular consequence: missense variant.
Genome position (GRCh38, 1-based): chr3:10,049,479, A>G. VCF-style: chr3-10049479-A-G. GRCh37 (hg19) VCF-style: chr3-10091163-A-G.
Other names: c.1519A>G, p.Met507Val (NM_001319984.2, NM_001374253.1, NM_001374254.1 and 1 more transcripts); c.1519A>G (NM_033084.4); short protein forms M507V.
Identifiers: ClinVar variation 407785 (VCV000407785.9), dbSNP rs376708399, ClinGen allele CA2249680.
Genomic context (GRCh38, chr3:10,049,479, plus strand): 5'-GCTGAAGTTGATACTGCCTTAGATGTCCTTCTAGAGTTGGTAGTGTTAAACCCATCTGCT[A>G]TGATGATGAATGCTGTCTTTGTAAAGGTATCTTATTGGCTTCTTGTACTTTAGATATTGA-3'
Protein context (NP_001018125.1, residues 497-517): LELVVLNPSA[Met507Val]MMNAVFVKGI